The following is an entry in ClinVar:

NM_002485.5(NBN):c.1147G>A (p.Glu383Lys)

Gene: NBN (nibrin; minus strand). Cytogenetic location: 8q21.3.
Variant type: single nucleotide variant.
Coding change: c.1147G>A on transcript NM_002485.5 (MANE Select); coding-DNA position 1147, G replaced by A.
Protein change: p.Glu383Lys; replaces glutamic acid 383 with lysine.
Molecular consequence: missense variant.
Genome position (GRCh38, 1-based): chr8:89,955,533, C>T on the plus strand (G>A on the coding strand, the complement: NBN is on the minus strand). VCF-style: chr8-89955533-C-T. GRCh37 (hg19) VCF-style: chr8-90967761-C-T.
Other names: c.901G>A, p.Glu301Lys (NM_001024688.3); short protein forms E383K, E301K.
Identifiers: ClinVar variation 461491 (VCV000461491.22), dbSNP rs772909239, ClinGen allele CA4802789.

ClinVar aggregate classification (germline): Uncertain significance. Review status: criteria provided, multiple submitters, no conflicts (2 of 4 stars). 6 submissions from 6 submitters: Uncertain significance (5). 1 of the submissions does not count toward it. Last evaluated 2025-10-14.

Conditions:
Hereditary cancer-predisposing syndrome. Also called: Hereditary neoplastic syndrome; Neoplastic Syndromes, Hereditary; Tumor predisposition; Hereditary Cancer Syndrome. Identifiers: Orphanet 140162, MedGen C0027672, MeSH D009386, MONDO:0015356.
Microcephaly, normal intelligence and immunodeficiency (NBS). Also called: IMMUNODEFICIENCY, MICROCEPHALY, AND CHROMOSOMAL INSTABILITY; SEEMANOVA SYNDROME II; Nijmegen breakage syndrome; Microcephaly with normal intelligence immunodeficiency and lymphoreticular malignancies; Nonsyndromal microcephaly autosomal recessive with normal intelligence; Seemanova syndrome 2. Identifiers: Orphanet 647, MedGen C0398791, MONDO:0009623, OMIM 251260.

Allele frequency attached by ClinVar (database versions not stated): gnomAD exomes 0.00001; ExAC 0.00002.

Submissions (6):

Ambry Genetics
Classification: Uncertain significance for Hereditary cancer-predisposing syndrome. Last evaluated: 2025-10-14. Review status: criteria provided, single submitter. Criteria: Ambry Variant Classification Scheme 2023. Collection method: clinical testing. Allele origin: germline.
Comment: The p.E383K variant (also known as c.1147G>A), located in coding exon 10 of the NBN gene, results from a G to A substitution at nucleotide position 1147. The glutamic acid at codon 383 is replaced by lysine, an amino acid with similar properties. This amino acid position is well conserved in available vertebrate species. In addition, this alteration is predicted to be tolerated by in silico analysis. Since supporting evidence is limited at this time, the clinical significance of this alteration remains unclear.

Quest Diagnostics Nichols Institute San Juan Capistrano
Classification: Uncertain significance. Last evaluated: 2023-12-07. Review status: criteria provided, single submitter. Criteria: Quest Diagnostics criteria. Collection method: clinical testing. Allele origin: unknown.
Comment: The NBN c.1147G>A (p.Glu383Lys) variant has not been reported in individuals with NBN-related conditions in the published literature. The frequency of this variant in the general population, 0.000098 (3/30570 chromosomes (Genome Aggregation Database)), is uninformative in the assessment of its pathogenicity. Analysis of this variant using bioinformatics tools for the prediction of the effect of amino acid changes on protein structure and function yielded conflicting predictions that this variant is benign or damaging. Based on the available information, we are unable to determine the clinical significance of this variant.

Genome-Nilou Lab
Classification: Uncertain significance for Microcephaly, normal intelligence and immunodeficiency. Last evaluated: 2021-11-07. Review status: criteria provided, single submitter. Criteria: ACMG Guidelines, 2015. Collection method: clinical testing. Allele origin: germline. Affected: no.

Labcorp Genetics (formerly Invitae), Labcorp
Classification: Uncertain significance for Microcephaly, normal intelligence and immunodeficiency. Last evaluated: 2021-08-28. Review status: criteria provided, single submitter. Criteria: Invitae Variant Classification Sherloc (09022015). Collection method: clinical testing. Allele origin: germline.
Comment: This sequence change replaces glutamic acid with lysine at codon 383 of the NBN protein (p.Glu383Lys). The glutamic acid residue is moderately conserved and there is a small physicochemical difference between glutamic acid and lysine. This variant is present in population databases (rs772909239, ExAC 0.01%). This variant has not been reported in the literature in individuals affected with NBN-related conditions. ClinVar contains an entry for this variant (Variation ID: 461491). Algorithms developed to predict the effect of missense changes on protein structure and function (SIFT, PolyPhen-2, Align-GVGD) all suggest that this variant is likely to be tolerated. In summary, the available evidence is currently insufficient to determine the role of this variant in disease. Therefore, it has been classified as a Variant of Uncertain Significance.

GeneDx
Classification: Uncertain significance. Last evaluated: 2019-12-09. Review status: criteria provided, single submitter. Criteria: GeneDx Variant Classification Process June 2021. Collection method: clinical testing. Allele origin: germline. Affected: yes.
Comment: In silico analysis, which includes protein predictors and evolutionary conservation, supports that this variant does not alter protein structure/function; Has not been previously published as pathogenic or benign to our knowledge

Natera, Inc.
Classification: Uncertain significance for Nijmegen breakage syndrome. Last evaluated: 2021-02-22. Review status: no assertion criteria provided. Collection method: clinical testing. Allele origin: germline. Not counted in ClinVar's aggregate classification.